The following is an entry in ClinVar:

NM_024844.5(NUP85):c.89G>C (p.Gly30Ala)

Gene: NUP85 (nucleoporin 85; plus strand). Cytogenetic location: 17q25.1.
Variant type: single nucleotide variant.
Coding change: c.89G>C on transcript NM_024844.5 (MANE Select); coding-DNA position 89, G replaced by C.
Protein change: p.Gly30Ala; replaces glycine 30 with alanine.
Molecular consequence: missense variant. On other transcripts: intron variant (1).
Genome position (GRCh38, 1-based): chr17:75,208,582, G>C. VCF-style: chr17-75208582-G-C. GRCh37 (hg19) VCF-style: chr17-73204677-G-C.
Other names: c.89G>C, p.Gly30Ala (NM_001330472.2); c.-11-1241G>C (NM_001303276.2); short protein forms G30A.
Identifiers: ClinVar variation 2112463 (VCV002112463.4), dbSNP rs2544805909, ClinGen allele CA400971341.
Genomic context (GRCh38, chr17:75,208,582, plus strand): 5'-ACTAGTTGATTCCAGGCGTGAATTCCAAGAAGAACCAAATGTATTTTGACTGGGGTCCAG[G>C]GGAGATGCTGGTATGTGAAACCTCCTTCAACAAAAAAGGTAGGGTTTTTTTTCTTCCAAA-3'
Protein context (NP_079120.1, residues 20-40): KNQMYFDWGP[Gly30Ala]EMLVCETSFN

ClinVar aggregate classification (germline): Uncertain significance (1 of 4 stars; one submission).

Allele frequency attached by ClinVar (database versions not stated): gnomAD exomes below 0.00001.
gnomAD v4.1: 1 of 1,609,652 alleles (0.000062%); highest among the groups gnomAD compares: Admixed American, 0.0017%; no homozygotes.

Submission:

Labcorp Genetics (formerly Invitae), Labcorp
Classification: Uncertain significance. Last evaluated: 2024-01-02. Review status: criteria provided, single submitter. Criteria: Invitae Variant Classification Sherloc (09022015). Collection method: clinical testing. Allele origin: germline.
Comment: This sequence change replaces glycine, which is neutral and non-polar, with alanine, which is neutral and non-polar, at codon 30 of the NUP85 protein (p.Gly30Ala). This variant is not present in population databases (gnomAD no frequency). This variant has not been reported in the literature in individuals affected with NUP85-related conditions. ClinVar contains an entry for this variant (Variation ID: 2112463). An algorithm developed to predict the effect of missense changes on protein structure and function (PolyPhen-2) suggests that this variant is likely to be tolerated. In summary, the available evidence is currently insufficient to determine the role of this variant in disease. Therefore, it has been classified as a Variant of Uncertain Significance.